The following is an entry in ClinVar:

NM_006767.4(LZTR1):c.609G>A (p.Trp203Ter)

Gene: LZTR1 (leucine zipper like post translational regulator 1; plus strand). Cytogenetic location: 22q11.21.
Variant type: single nucleotide variant.
Coding change: c.609G>A on transcript NM_006767.4 (MANE Select); coding-DNA position 609, G replaced by A.
Protein change: p.Trp203Ter; replaces tryptophan 203 with a stop codon.
Molecular consequence: nonsense.
Genome position (GRCh38, 1-based): chr22:20,989,640, G>A. VCF-style: chr22-20989640-G-A. GRCh37 (hg19) VCF-style: chr22-21343929-G-A.
Other names: short protein forms W203*.
Identifiers: ClinVar variation 1324694 (VCV001324694.5), dbSNP rs778525532, ClinGen allele CA10118522.

ClinVar aggregate classification (germline): Pathogenic/Likely pathogenic. Review status: criteria provided, multiple submitters, no conflicts (2 of 4 stars). 2 submissions from 2 submitters: Pathogenic (1); Likely pathogenic (1). Last evaluated 2025-07-17.

Conditions:
Hereditary cancer-predisposing syndrome. Also called: Hereditary Cancer Syndrome; Tumor predisposition; Neoplastic Syndromes, Hereditary; Hereditary neoplastic syndrome. Identifiers: Orphanet 140162, MedGen C0027672, MeSH D009386, MONDO:0015356.
Cardiovascular phenotype. Identifiers: MedGen CN230736.

Allele frequency attached by ClinVar (database versions not stated): gnomAD exomes below 0.00001; ExAC 0.00001.
gnomAD v4.1: 1 of 1,613,692 alleles (0.000062%); highest among the groups gnomAD compares: South Asian, 0.0011%; no homozygotes.

Submissions (2):

Ambry Genetics
Classification: Pathogenic for Cardiovascular phenotype; Hereditary cancer-predisposing syndrome. Last evaluated: 2025-07-17. Review status: criteria provided, single submitter. Criteria: Ambry Variant Classification Scheme 2023. Collection method: clinical testing. Allele origin: germline.
Comment: The p.W203* pathogenic mutation (also known as c.609G>A), located in coding exon 7 of the LZTR1 gene, results from a G to A substitution at nucleotide position 609. This changes the amino acid from a tryptophan to a stop codon within coding exon 7. This alteration is expected to result in loss of function by premature protein truncation or nonsense-mediated mRNA decay. Loss-of-function variants in LZTR1 are related to an increased risk for schwannomas and autosomal recessive Noonan syndrome; however, such associations with autosomal dominant Noonan syndrome have not been observed (Piotrowski A et al. Nat Genet. 2014 Feb;46:182-7; Yamamoto GL et al. J Med Genet. 2015 Jun;52:413-21; Johnston JJ et al. Genet Med. 2018 10;20:1175-1185). Based on the supporting evidence, this variant is pathogenic for an increased risk of LZTR1-related schwannomatosis (SWN) and would be expected to cause autosomal recessive Noonan syndrome when present along with a second pathogenic or likely pathogenic variant on the other allele; however, the association of this alteration with autosomal dominant Noonan syndrome is unlikely.

Revvity Omics, Revvity
Classification: Likely pathogenic. Last evaluated: 2021-02-25. Review status: criteria provided, single submitter. Criteria: ACMG Guidelines, 2015. Collection method: clinical testing. Allele origin: germline.